The following is an entry in ClinVar:

NM_004618.5(TOP3A):c.1643G>A (p.Arg548Gln)

Gene: TOP3A (DNA topoisomerase III alpha; minus strand). Cytogenetic location: 17p11.2.
Variant type: single nucleotide variant.
Coding change: c.1643G>A on transcript NM_004618.5 (MANE Select); coding-DNA position 1643, G replaced by A.
Protein change: p.Arg548Gln; replaces arginine 548 with glutamine.
Molecular consequence: missense variant.
Genome position (GRCh38, 1-based): chr17:18,285,475, C>T on the plus strand (G>A on the coding strand, the complement: TOP3A is on the minus strand). VCF-style: chr17-18285475-C-T. GRCh37 (hg19) VCF-style: chr17-18188789-C-T.
Other names: c.1358G>A, p.Arg453Gln (NM_001320759.2); c.1643G>A (NM_004618.3); short protein forms R453Q, R548Q.
Identifiers: ClinVar variation 1050343 (VCV001050343.11), dbSNP rs151096656, ClinGen allele CA8429832.
Genomic context (GRCh38, chr17:18,285,475, plus strand): 5'-AGTCCCATGCCCAGGTGCCCAGGGAGGAACCGCTTGTCTGGGGTGAGGCCCACGTACATC[C>T]GGGCTTTGATGGTCTCGATGTGCTCCGCATGAGTGGCATCCGTACCTGGAAGCCACTTGC-3'
Protein context (NP_004609.1, residues 538-558): HAEHIETIKA[Arg548Gln]MYVGLTPDKR

ClinVar aggregate classification (germline): Uncertain significance. Review status: criteria provided, multiple submitters, no conflicts (2 of 4 stars). 6 submissions from 6 submitters: Uncertain significance (5). 1 of the submissions does not count toward it. Last evaluated 2025-12-09.

Conditions:
TOP3A-related disorder. Also called: TOP3A-related disorders; TOP3A-related condition.
Microcephaly, growth restriction, and increased sister chromatid exchange 2. Identifiers: MedGen C4748176, MONDO:0020628, OMIM 618097.
Inborn genetic diseases. Identifiers: MedGen C0950123, MeSH D030342.

Allele frequency attached by ClinVar (database versions not stated): ExAC 0.00004; gnomAD exomes 0.00005 and 0.00006; gnomAD 0.00007; ESP Exome Variant Server 0.00008; TOPMed 0.00008.
gnomAD v4.1: 98 of 1,614,016 alleles (0.0061%); highest among the groups gnomAD compares: Non-Finnish European, 0.0075%; no homozygotes.

Submissions (6):

Ambry Genetics
Classification: Uncertain significance for Inborn genetic diseases. Last evaluated: 2025-12-09. Review status: criteria provided, single submitter. Criteria: Ambry Variant Classification Scheme 2023. Collection method: clinical testing. Allele origin: germline.

PreventionGenetics, part of Exact Sciences
Classification: Uncertain significance for TOP3A-related condition. Last evaluated: 2025-10-03. Review status: criteria provided, single submitter. Criteria: ACMG Guidelines, 2015. Collection method: clinical testing. Allele origin: germline.
Comment: The TOP3A c.1643G>A variant is predicted to result in the amino acid substitution p.Arg548Gln. To our knowledge, this variant has not been reported in the literature. This variant is reported in 0.0099% of alleles in individuals of Ashkenazi Jewish descent in gnomAD. At this time, the clinical significance of this variant is uncertain due to the absence of conclusive functional and genetic evidence.

Labcorp Genetics (formerly Invitae), Labcorp
Classification: Uncertain significance. Last evaluated: 2025-10-02. Review status: criteria provided, single submitter. Criteria: Invitae Variant Classification Sherloc (09022015). Collection method: clinical testing. Allele origin: germline.
Comment: This sequence change replaces arginine, which is basic and polar, with glutamine, which is neutral and polar, at codon 548 of the TOP3A protein (p.Arg548Gln). This variant is present in population databases (rs151096656, gnomAD 0.01%). This variant has not been reported in the literature in individuals affected with TOP3A-related conditions. ClinVar contains an entry for this variant (Variation ID: 1050343). An algorithm developed to predict the effect of missense changes on protein structure and function (PolyPhen-2) suggests that this variant is likely to be disruptive. In summary, the available evidence is currently insufficient to determine the role of this variant in disease. Therefore, it has been classified as a Variant of Uncertain Significance.

GeneDx
Classification: Uncertain significance. Last evaluated: 2025-01-08. Review status: criteria provided, single submitter. Criteria: GeneDx Variant Classification Process June 2021. Collection method: clinical testing. Allele origin: germline. Affected: yes.
Comment: In silico analysis supports that this missense variant has a deleterious effect on protein structure/function; Has not been previously published as pathogenic or benign to our knowledge

Victorian Clinical Genetics Services, Murdoch Childrens Research Institute
Classification: Uncertain significance for Microcephaly, growth restriction, and increased sister chromatid exchange 2. Last evaluated: 2022-06-24. Review status: criteria provided, single submitter. Criteria: ACMG Guidelines, 2015. Collection method: clinical testing. Allele origin: germline. Inheritance: Autosomal recessive inheritance. Affected: yes.
Comment: Based on the classification scheme VCGS_Germline_v1.3.4, this variant is classified as VUS-3B. Following criteria are met: 0102 - Loss of function is a known mechanism of disease in this gene and is associated with microcephaly, growth restriction, and increased sister chromatid exchange 2 (MIM#618097). (I) 0106 - This gene is associated with autosomal recessive disease. (I) 0200 - Variant is predicted to result in a missense amino acid change from arginine to glutamine. (I) 0251 - This variant is heterozygous. (I) 0304 - Variant is present in gnomAD v2 <0.01 for a recessive condition (13 heterozygotes, 0 homozygotes). (SP) 0309 - An alternative amino acid change at the same position has been observed in gnomAD (v2) (1 heterozygote, 0 homozygotes). (I) 0502 - Missense variant with conflicting in silico predictions and uninformative conservation. (I) 0600 - Variant is located in the annotated DNA topoisomerase domain (DECIPHER) (I) 0705 - No comparable missense variants have previous evidence for pathogenicity. (I) 0809 - Previous evidence of pathogenicity for this variant is inconclusive. This variant has been classified as a VUS by a clinical laboratory in ClinVar. (I) 0905 - No published segregation evidence has been identified for this variant. (I) 1007 - No published functional evidence has been identified for this variant. (I) Legend: (SP) - Supporting pathogenic, (I) - Information, (SB) - Supporting benign

Department of Pathology and Laboratory Medicine, Sinai Health System
Classification: Uncertain significance. Review status: no assertion criteria provided. Collection method: clinical testing. Allele origin: unknown. Affected: yes. Study: The Canadian Open Genetics Repository (COGR). Not counted in ClinVar's aggregate classification.